The following is an entry in ClinVar:

NM_024675.4(PALB2):c.683A>G (p.Gln228Arg)

Gene: PALB2 (partner and localizer of BRCA2; minus strand). Cytogenetic location: 16p12.2.
Variant type: single nucleotide variant.
Coding change: c.683A>G on transcript NM_024675.4 (MANE Select); coding-DNA position 683, A replaced by G.
Protein change: p.Gln228Arg; replaces glutamine 228 with arginine.
Molecular consequence: missense variant. On other transcripts: 5 prime UTR variant (8), intron variant (3).
Genome position (GRCh38, 1-based): chr16:23,635,863, T>C on the plus strand (A>G on the coding strand, the complement: PALB2 is on the minus strand). VCF-style: chr16-23635863-T-C. GRCh37 (hg19) VCF-style: chr16-23647184-T-C.
Other names: c.623A>G, p.Gln208Arg (NM_001407296.1); c.683A>G, p.Gln228Arg (NM_001407297.1, NM_001407298.1, NM_001407299.1 and 3 more transcripts); c.-203A>G (NM_001407304.1, NM_001407305.1, NM_001407306.1 and 5 more transcripts); c.48+5247A>G (NM_001407314.1); c.-105+5247A>G (NM_001407313.1, NM_001407312.1); short protein forms Q228R, Q208R.
Identifiers: ClinVar variation 4663890 (VCV004663890.1).

ClinVar aggregate classification (germline): Uncertain significance (1 of 4 stars; one submission).

Conditions:
Hereditary cancer-predisposing syndrome. Also called: Neoplastic Syndromes, Hereditary; Tumor predisposition; Hereditary Cancer Syndrome; Hereditary neoplastic syndrome. Identifiers: Orphanet 140162, MedGen C0027672, MeSH D009386, MONDO:0015356.

Submission:

Ambry Genetics
Classification: Uncertain significance for Hereditary cancer-predisposing syndrome. Last evaluated: 2025-10-23. Review status: criteria provided, single submitter. Criteria: Ambry Variant Classification Scheme 2023. Collection method: clinical testing. Allele origin: germline.
Comment: The p.Q228R variant (also known as c.683A>G), located in coding exon 4 of the PALB2 gene, results from an A to G substitution at nucleotide position 683. The glutamine at codon 228 is replaced by arginine, an amino acid with highly similar properties. This amino acid position is conserved. In addition, this alteration is predicted to be tolerated by in silico analysis. Based on the available evidence, the clinical significance of this variant remains unclear.